The following is an entry in ClinVar:

NM_016148.5(SHANK1):c.69C>T (p.Gly23=)

Gene: SHANK1 (SH3 and multiple ankyrin repeat domains 1; minus strand). Cytogenetic location: 19q13.33.
Variant type: single nucleotide variant.
Coding change: c.69C>T on transcript NM_016148.5 (MANE Select); coding-DNA position 69, C replaced by T.
Protein change: p.Gly23=; no amino-acid change (glycine 23 retained).
Molecular consequence: synonymous variant.
Genome position (GRCh38, 1-based): chr19:50,716,851, G>A on the plus strand (C>T on the coding strand, the complement: SHANK1 is on the minus strand). VCF-style: chr19-50716851-G-A. GRCh37 (hg19) VCF-style: chr19-51220108-G-A.
Identifiers: ClinVar variation 3043494 (VCV003043494.2), dbSNP rs1275715198, ClinGen allele CA508311749.

ClinVar aggregate classification (germline): Likely benign (0 of 4 stars; one submission).

Conditions:
SHANK1-related disorder. Also called: SHANK1-related condition.

Allele frequency attached by ClinVar (database versions not stated): TOPMed below 0.00001; gnomAD 0.00001.
gnomAD v4.1: 6 of 1,539,688 alleles (0.00039%); highest among the groups gnomAD compares: Non-Finnish European, 0.00052%; no homozygotes.

Submission:

PreventionGenetics, part of Exact Sciences
Classification: Likely benign for SHANK1-related condition. Last evaluated: 2019-06-19. Review status: no assertion criteria provided. Collection method: clinical testing. Allele origin: germline.
Comment: This variant is classified as likely benign based on ACMG/AMP sequence variant interpretation guidelines (Richards et al. 2015 PMID: 25741868, with internal and published modifications).